The following is an entry in ClinVar:

ClinVar aggregate classification (germline): Uncertain significance. Review status: criteria provided, multiple submitters, no conflicts (2 of 4 stars). 2 submissions from 2 submitters: Uncertain significance (2). Last evaluated 2025-06-12.

Conditions:
Catecholaminergic polymorphic ventricular tachycardia (CVPT). Also called: Catecholamine-induced polymorphic ventricular tachycardia. Identifiers: Orphanet 3286, MedGen C5574922, MONDO:0017990.
Cardiomyopathy (CMYO). Also called: Cardiomyopathies. Identifiers: Orphanet 167848, MedGen C0878544, MONDO:0004994, HP:0001638. Inheritance: Various modes of inheritance.

Submissions (2):

Color Diagnostics, LLC DBA Color Health
Classification: Uncertain significance for Cardiomyopathy. Last evaluated: 2025-06-12. Review status: criteria provided, single submitter. Criteria: ACMG Guidelines, 2015. Collection method: clinical testing. Allele origin: germline.
Comment: This variant duplicates one nucleotide in exon 43 of the RYR2 gene, creating a frameshift and premature translation stop signal. This variant is expected to result in an absent or non-functional protein product. To our knowledge, this variant has not been reported in individuals affected with RYR2-related disorders in the literature. This variant has not been identified in the general population by the Genome Aggregation Database (gnomAD). Clinical relevance of loss-of-function RYR2 truncation variants in autosomal dominant cardiovascular disorders is not clearly established. The available evidence is insufficient to determine the role of this variant in disease conclusively. Therefore, this variant is classified as a Variant of Uncertain Significance.

All of Us Research Program, National Institutes of Health
Classification: Uncertain significance for Catecholaminergic polymorphic ventricular tachycardia. Last evaluated: 2023-01-10. Review status: criteria provided, single submitter. Criteria: ACMG Guidelines, 2015. Collection method: clinical testing. Allele origin: germline. Inheritance: Autosomal dominant inheritance. Observed: 1 variant allele, 1 heterozygote.
Comment: This variant duplicates 1 nucleotide in exon 43 of the RYR2 gene, creating a frameshift and premature translation stop signal. This variant is expected to result in an absent or non-functional protein product. To our knowledge, this variant has not been reported in individuals affected with cardiovascular disorders in the literature. This variant has not been identified in the general population by the Genome Aggregation Database (gnomAD). Clinical relevance of loss-of-function truncation and splice variants in the RYR2 gene is not clearly established. The available evidence is insufficient to determine the role of this variant in disease conclusively. Therefore, this variant is classified as a Variant of Uncertain Significance.

This study involves interpretation of variants in research participants for the purpose of population health screening. Participant phenotype was not available at the time of variant classification. Additional details can be found in publication PMID: 35346344, PMCID: PMC8962531

NM_001035.3(RYR2):c.6639dup (p.Met2214fs)

Gene: RYR2 (ryanodine receptor 2; plus strand). Cytogenetic location: 1q43.
Variant type: Duplication.
Coding change: c.6639dup on transcript NM_001035.3 (MANE Select); coding-DNA position 6639, one base duplicated (T; older notation c.6639dupT).
Protein change: p.Met2214fs; shifts the reading frame from methionine 2214.
Molecular consequence: frameshift variant.
Genome position (GRCh38, 1-based): chr1:237,633,661, T duplicated. VCF-style (leftmost placement, unchanged base first): chr1-237633660-C-CT. GRCh37 (hg19) VCF-style: chr1-237796960-C-CT.
Other names: short protein forms M2214fs.
Identifiers: ClinVar variation 926494 (VCV000926494.7), dbSNP rs1680570569, ClinGen allele CA1139656661.